The following is an entry in ClinVar:

NM_000264.5(PTCH1):c.2359G>T (p.Glu787Ter)

Genes: PTCH1 (patched 1; minus strand), LOC100507346 (uncharacterized LOC100507346; plus strand). Cytogenetic location: 9q22.32.
Variant type: single nucleotide variant.
Coding change: c.2359G>T on transcript NM_000264.5 (MANE Select); coding-DNA position 2359, G replaced by T.
Protein change: p.Glu787Ter; replaces glutamic acid 787 with a stop codon.
Molecular consequence: nonsense.
Genome position (GRCh38, 1-based): chr9:95,467,317, C>A on the plus strand (G>T on the coding strand, the complement: PTCH1 is on the minus strand). VCF-style: chr9-95467317-C-A. GRCh37 (hg19) VCF-style: chr9-98229599-C-A.
Other names: c.2161G>T, p.Glu721Ter (NM_001083602.3); c.2356G>T, p.Glu786Ter (NM_001083603.3); c.1906G>T, p.Glu636Ter (NM_001083604.3, NM_001083605.3, NM_001083606.3 and 1 more transcripts); c.2203G>T, p.Glu735Ter (NM_001354918.2); short protein forms E636*, E787*, E721*, E735*, E786*.
Identifiers: ClinVar variation 954197 (VCV000954197.10), dbSNP rs1840098608, ClinGen allele CA374114494.

ClinVar aggregate classification (germline): Pathogenic (1 of 4 stars; one submission).

Conditions:
Gorlin syndrome. Also called: Basal cell nevus syndrome; Nevoid Basal Cell Carcinoma Syndrome. Identifiers: Orphanet 377, MedGen C0004779, MONDO:0007187.

Submission:

Labcorp Genetics (formerly Invitae), Labcorp
Classification: Pathogenic for Gorlin syndrome. Last evaluated: 2019-11-01. Review status: criteria provided, single submitter. Criteria: Invitae Variant Classification Sherloc (09022015). Collection method: clinical testing. Allele origin: germline.
Comment: This sequence change creates a premature translational stop signal (p.Glu787*) in the PTCH1 gene. It is expected to result in an absent or disrupted protein product. This variant is not present in population databases (ExAC no frequency). This variant has been observed in individual(s) with basal cell nevus syndrome (PMID: 29575684). Loss-of-function variants in PTCH1 are known to be pathogenic (PMID: 16301862, 16419085). For these reasons, this variant has been classified as Pathogenic.

Literature cited by the submitters: PubMed 29575684; PubMed 16301862; PubMed 16419085.